The following is an entry in ClinVar:

NM_002528.7(NTHL1):c.613G>T (p.Ala205Ser)

Gene: NTHL1 (nth like DNA glycosylase 1; minus strand). Cytogenetic location: 16p13.3.
Variant type: single nucleotide variant.
Coding change: c.613G>T on transcript NM_002528.7 (MANE Select); coding-DNA position 613, G replaced by T.
Protein change: p.Ala205Ser; replaces alanine 205 with serine.
Molecular consequence: missense variant.
Genome position (GRCh38, 1-based): chr16:2,043,639, C>A on the plus strand (G>T on the coding strand, the complement: NTHL1 is on the minus strand). VCF-style: chr16-2043639-C-A. GRCh37 (hg19) VCF-style: chr16-2093640-C-A.
Other names: c.442G>T, p.Ala148Ser (NM_001318193.2); c.283G>T, p.Ala95Ser (NM_001318194.2); short protein forms A95S, A205S, A148S.
Identifiers: ClinVar variation 2565699 (VCV002565699.2), dbSNP rs772432408, ClinGen allele CA394291462.

ClinVar aggregate classification (germline): Uncertain significance (1 of 4 stars; one submission).

Conditions:
Hereditary cancer-predisposing syndrome. Also called: Neoplastic Syndromes, Hereditary; Hereditary Cancer Syndrome; Hereditary neoplastic syndrome; Tumor predisposition. Identifiers: Orphanet 140162, MedGen C0027672, MeSH D009386, MONDO:0015356.

Submission:

Ambry Genetics
Classification: Uncertain significance for Hereditary cancer-predisposing syndrome. Last evaluated: 2023-05-25. Review status: criteria provided, single submitter. Criteria: Ambry Variant Classification Scheme 2023. Collection method: clinical testing. Allele origin: germline.
Comment: The p.A213S variant (also known as c.637G>T), located in coding exon 4 of the NTHL1 gene, results from a G to T substitution at nucleotide position 637. The alanine at codon 213 is replaced by serine, an amino acid with similar properties. This amino acid position is conserved. In addition, this alteration is predicted to be tolerated by in silico analysis. Since supporting evidence is limited at this time, the clinical significance of this alteration remains unclear.